The following is an entry in ClinVar:

ClinVar aggregate classification (germline): Uncertain significance (1 of 4 stars; one submission).

Conditions:
Juvenile polyposis syndrome (JPS). Identifiers: Orphanet 2929, MedGen C0345893, MONDO:0017380, OMIM 174900.

Submission:

Labcorp Genetics (formerly Invitae), Labcorp
Classification: Uncertain significance for Juvenile polyposis syndrome. Last evaluated: 2023-10-20. Review status: criteria provided, single submitter. Criteria: Invitae Variant Classification Sherloc (09022015). Collection method: clinical testing. Allele origin: germline.
Comment: This sequence change replaces alanine, which is neutral and non-polar, with valine, which is neutral and non-polar, at codon 324 of the BMPR1A protein (p.Ala324Val). This variant is not present in population databases (gnomAD no frequency). This variant has not been reported in the literature in individuals affected with BMPR1A-related conditions. Advanced modeling of protein sequence and biophysical properties (such as structural, functional, and spatial information, amino acid conservation, physicochemical variation, residue mobility, and thermodynamic stability) performed at Invitae indicates that this missense variant is not expected to disrupt BMPR1A protein function. In summary, the available evidence is currently insufficient to determine the role of this variant in disease. Therefore, it has been classified as a Variant of Uncertain Significance.

NM_004329.3(BMPR1A):c.971C>T (p.Ala324Val)

Gene: BMPR1A (bone morphogenetic protein receptor type 1A; plus strand). Cytogenetic location: 10q23.2.
Variant type: single nucleotide variant.
Coding change: c.971C>T on transcript NM_004329.3 (MANE Select); coding-DNA position 971, C replaced by T.
Protein change: p.Ala324Val; replaces alanine 324 with valine.
Molecular consequence: missense variant. On other transcripts: non-coding transcript variant (3).
Genome position (GRCh38, 1-based): chr10:86,919,274, C>T. VCF-style: chr10-86919274-C-T. GRCh37 (hg19) VCF-style: chr10-88679031-C-T.
Other names: c.1046C>T, p.Ala349Val (NM_001406559.1); c.1019C>T, p.Ala340Val (NM_001406560.1); c.971C>T, p.Ala324Val (NM_001406561.1, NM_001406562.1, NM_001406563.1 and 19 more transcripts); c.965C>T, p.Ala322Val (NM_001406583.1); c.887C>T, p.Ala296Val (NM_001406584.1, NM_001406585.1, NM_001406586.1 and 2 more transcripts); c.629C>T, p.Ala210Val (NM_001406589.1); short protein forms A210V, A322V, A324V, A296V, A340V, A349V.
Identifiers: ClinVar variation 2770371 (VCV002770371.3), dbSNP rs2539619545, ClinGen allele CA377460333.